The following is an entry in ClinVar:

ClinVar aggregate classification (germline): Likely benign. Review status: criteria provided, single submitter (1 of 4 stars). 2 submissions from 2 submitters: Likely benign (1). 1 of the submissions does not count toward it. Last evaluated 2026-08-01.

Conditions:
FMN2-related disorder. Also called: FMN2-related condition.

Submissions (2):

CeGaT Center for Human Genetics Tuebingen
Classification: Likely benign. Last evaluated: 2026-08-01. Review status: criteria provided, single submitter. Criteria: CeGaT Center For Human Genetics Tuebingen Variant Classification Criteria Version 2. Collection method: clinical testing. Allele origin: germline. Affected: yes. Observed: 4 variant alleles.
Comment: FMN2: BP4, BP7

PreventionGenetics, part of Exact Sciences
Classification: Likely benign for FMN2-related condition. Last evaluated: 2020-08-06. Review status: no assertion criteria provided. Collection method: clinical testing. Allele origin: germline. Not counted in ClinVar's aggregate classification.
Comment: This variant is classified as likely benign based on ACMG/AMP sequence variant interpretation guidelines (Richards et al. 2015 PMID: 25741868, with internal and published modifications).

NM_020066.5(FMN2):c.3462G>A (p.Pro1154=)

Gene: FMN2 (formin 2; plus strand). Cytogenetic location: 1q43.
Variant type: single nucleotide variant.
Coding change: c.3462G>A on transcript NM_020066.5 (MANE Select); coding-DNA position 3462, G replaced by A.
Protein change: p.Pro1154=; no amino-acid change (proline 1154 retained).
Molecular consequence: synonymous variant. On other transcripts: intron variant (1).
Genome position (GRCh38, 1-based): chr1:240,208,274, G>A. VCF-style: chr1-240208274-G-A. GRCh37 (hg19) VCF-style: chr1-240371574-G-A.
Other names: c.3474G>A, p.Pro1158= (NM_001305424.2); c.1986+20012G>A (NM_001348094.2); c.3462G>A (NM_020066.4).
Identifiers: ClinVar variation 2640194 (VCV002640194.25), dbSNP rs12750401, ClinGen allele CA1477192.